The following is an entry in ClinVar:

NM_015512.5(DNAH1):c.4686G>A (p.Arg1562=)

Gene: DNAH1 (dynein axonemal heavy chain 1; plus strand). Cytogenetic location: 3p21.1.
Variant type: single nucleotide variant.
Coding change: c.4686G>A on transcript NM_015512.5 (MANE Select); coding-DNA position 4686, G replaced by A.
Protein change: p.Arg1562=; no amino-acid change (arginine 1562 retained).
Molecular consequence: synonymous variant.
Genome position (GRCh38, 1-based): chr3:52,361,164, G>A. VCF-style: chr3-52361164-G-A. GRCh37 (hg19) VCF-style: chr3-52395180-G-A.
Identifiers: ClinVar variation 3763924 (VCV003763924.2).

ClinVar aggregate classification (germline): Uncertain significance (1 of 4 stars; one submission).

Conditions:
Spermatogenic failure 18. Identifiers: MedGen C4539783, MONDO:0054615, OMIM 617576.
Ciliary dyskinesia, primary, 37 (CILD37). Also called: CILIARY DYSKINESIA, PRIMARY, 37, WITH OR WITHOUT SITUS INVERSUS. Identifiers: MedGen C4539798, MONDO:0033204, OMIM 617577.

gnomAD v4.1: 2 of 1,595,020 alleles (0.00013%); highest among the groups gnomAD compares: African/African-American, 0.0013%; no homozygotes.

Submission:

Labcorp Genetics (formerly Invitae), Labcorp
Classification: Uncertain significance for Ciliary dyskinesia, primary, 37; Spermatogenic failure 18. Last evaluated: 2024-04-25. Review status: criteria provided, single submitter. Criteria: Invitae Variant Classification Sherloc (09022015). Collection method: clinical testing. Allele origin: germline.
Comment: This sequence change affects codon 1562 of the DNAH1 mRNA. It is a 'silent' change, meaning that it does not change the encoded amino acid sequence of the DNAH1 protein. It affects a nucleotide within the consensus splice site. This variant is present in population databases (rs759859063, gnomAD 0.004%). This variant has not been reported in the literature in individuals affected with DNAH1-related conditions. Algorithms developed to predict the effect of sequence changes on RNA splicing suggest that this variant is not likely to affect RNA splicing. In summary, the available evidence is currently insufficient to determine the role of this variant in disease. Therefore, it has been classified as a Variant of Uncertain Significance.